The following is an entry in ClinVar:

ClinVar aggregate classification (germline): Uncertain significance (1 of 4 stars; one submission).

Submission:

CeGaT Center for Human Genetics Tuebingen
Classification: Uncertain significance. Last evaluated: 2026-03-01. Review status: criteria provided, single submitter. Criteria: CeGaT Center For Human Genetics Tuebingen Variant Classification Criteria Version 2. Collection method: clinical testing. Allele origin: germline. Affected: yes. Observed: 1 variant allele.
Comment: WDFY3: PM2, PP2, PP3

NM_014991.6(WDFY3):c.8263C>A (p.Pro2755Thr)

Gene: WDFY3 (WD repeat and FYVE domain containing 3; minus strand). Cytogenetic location: 4q21.23.
Variant type: single nucleotide variant.
Coding change: c.8263C>A on transcript NM_014991.6 (MANE Select); coding-DNA position 8263, C replaced by A.
Protein change: p.Pro2755Thr; replaces proline 2755 with threonine.
Molecular consequence: missense variant.
Genome position (GRCh38, 1-based): chr4:84,705,466, G>T on the plus strand (C>A on the coding strand, the complement: WDFY3 is on the minus strand). VCF-style: chr4-84705466-G-T. GRCh37 (hg19) VCF-style: chr4-85626619-G-T.
Other names: short protein forms P2755T.
Identifiers: ClinVar variation 4823679 (VCV004823679.4).
Genomic context (GRCh38, chr4:84,705,466, plus strand): 5'-CCCAGTCTTTATACCGCTTCTTATACTGAGCTAATCGTTCATCTGTTTGTGCTCCCATTG[G>T]CTTAGCCAGGTTTCTAAACGTCTTGGGATTAGTAAGATCCACCTCCTAAAATACAAAATG-3'
Protein context (NP_055806.2, residues 2745-2765): NPKTFRNLAK[Pro2755Thr]MGAQTDERLA